The following is an entry in ClinVar:

NM_030665.4(RAI1):c.4057C>A (p.Pro1353Thr)

Gene: RAI1 (retinoic acid induced 1; plus strand). Cytogenetic location: 17p11.2.
Variant type: single nucleotide variant.
Coding change: c.4057C>A on transcript NM_030665.4 (MANE Select); coding-DNA position 4057, C replaced by A.
Protein change: p.Pro1353Thr; replaces proline 1353 with threonine.
Molecular consequence: missense variant.
Genome position (GRCh38, 1-based): chr17:17,797,005, C>A. VCF-style: chr17-17797005-C-A. GRCh37 (hg19) VCF-style: chr17-17700319-C-A.
Other names: short protein forms P1353T.
Identifiers: ClinVar variation 1437432 (VCV001437432.8), dbSNP rs1191545209, ClinGen allele CA398555628.

ClinVar aggregate classification (germline): Uncertain significance (1 of 4 stars; one submission).

Allele frequency attached by ClinVar (database versions not stated): gnomAD exomes below 0.00001; gnomAD 0.00003.
gnomAD v4.1: 7 of 1,613,774 alleles (0.00043%); highest among the groups gnomAD compares: African/African-American, 0.0093%; no homozygotes.

Submission:

Labcorp Genetics (formerly Invitae), Labcorp
Classification: Uncertain significance. Last evaluated: 2024-10-25. Review status: criteria provided, single submitter. Criteria: Invitae Variant Classification Sherloc (09022015). Collection method: clinical testing. Allele origin: germline.
Comment: This sequence change replaces proline, which is neutral and non-polar, with threonine, which is neutral and polar, at codon 1353 of the RAI1 protein (p.Pro1353Thr). This variant is present in population databases (no rsID available, gnomAD 0.01%). This variant has not been reported in the literature in individuals affected with RAI1-related conditions. ClinVar contains an entry for this variant (Variation ID: 1437432). Invitae Evidence Modeling of protein sequence and biophysical properties (such as structural, functional, and spatial information, amino acid conservation, physicochemical variation, residue mobility, and thermodynamic stability) indicates that this missense variant is not expected to disrupt RAI1 protein function with a negative predictive value of 80%. In summary, the available evidence is currently insufficient to determine the role of this variant in disease. Therefore, it has been classified as a Variant of Uncertain Significance.